The following is an entry in ClinVar:

ClinVar aggregate classification (germline): Pathogenic (1 of 4 stars; one submission).

Conditions:
Charcot-Marie-Tooth disease type 4. Also called: Charcot-Marie-Tooth, Type 4; Charcot-Marie-Tooth disease, type IV. Identifiers: Orphanet 64749, MedGen C4082197, MONDO:0018995.

Submission:

Labcorp Genetics (formerly Invitae), Labcorp
Classification: Pathogenic for Charcot-Marie-Tooth disease type 4. Last evaluated: 2023-01-24. Review status: criteria provided, single submitter. Criteria: Invitae Variant Classification Sherloc (09022015). Collection method: clinical testing. Allele origin: germline.
Comment: For these reasons, this variant has been classified as Pathogenic. This variant has not been reported in the literature in individuals affected with SH3TC2-related conditions. This variant is not present in population databases (gnomAD no frequency). This sequence change creates a premature translational stop signal (p.His611Alafs*2) in the SH3TC2 gene. It is expected to result in an absent or disrupted protein product. Loss-of-function variants in SH3TC2 are known to be pathogenic (PMID: 20220177, 27068304).

Literature cited by the submitters: PubMed 20220177; PubMed 27068304.

NM_024577.4(SH3TC2):c.1829dup (p.His611fs)

Gene: SH3TC2 (SH3 domain and tetratricopeptide repeats 2; minus strand). Cytogenetic location: 5q32.
Variant type: Duplication.
Coding change: c.1829dup on transcript NM_024577.4 (MANE Select); coding-DNA position 1829, one base duplicated (A; older notation c.1829dupA).
Protein change: p.His611fs; shifts the reading frame from histidine 611.
Molecular consequence: frameshift variant.
Genome position (GRCh38, 1-based): chr5:149,027,903, T duplicated on the plus strand (A on the coding strand, the reverse complement: SH3TC2 is on the minus strand); the first of 2 consecutive T bases (chr5:149,027,903-149,027,904); duplicating either gives the same sequence. VCF-style (leftmost placement, unchanged base first): chr5-149027902-C-CT. GRCh37 (hg19) VCF-style: chr5-148407465-C-CT.
Other names: short protein forms H611fs.
Identifiers: ClinVar variation 2030348 (VCV002030348.4), dbSNP rs1196877210, ClinGen allele CA805464586.